The following is an entry in ClinVar:

ClinVar aggregate classification (germline): Uncertain significance (1 of 4 stars; one submission).

Submission:

Ambry Genetics
Classification: Uncertain significance. Last evaluated: 2021-07-04. Review status: criteria provided, single submitter. Criteria: Ambry Variant Classification Scheme 2023. Collection method: clinical testing. Allele origin: germline.
Comment: The p.D206H variant (also known as c.616G>C), located in coding exon 7 of the FAM175A gene, results from a G to C substitution at nucleotide position 616. The aspartic acid at codon 206 is replaced by histidine, an amino acid with similar properties. This amino acid position is conserved. In addition, this alteration is predicted to be tolerated by in silico analysis. Since supporting evidence is limited at this time, the clinical significance of this alteration remains unclear.

NM_139076.3(ABRAXAS1):c.616G>C (p.Asp206His)

Gene: ABRAXAS1 (abraxas 1, BRCA1 A complex subunit; minus strand). Cytogenetic location: 4q21.23.
Variant type: single nucleotide variant.
Coding change: c.616G>C on transcript NM_139076.3 (MANE Select); coding-DNA position 616, G replaced by C.
Protein change: p.Asp206His; replaces aspartic acid 206 with histidine.
Molecular consequence: missense variant.
Genome position (GRCh38, 1-based): chr4:83,467,519, C>G on the plus strand (G>C on the coding strand, the complement: ABRAXAS1 is on the minus strand). VCF-style: chr4-83467519-C-G. GRCh37 (hg19) VCF-style: chr4-84388672-C-G.
Other names: c.289G>C, p.Asp97His (NM_001345962.2); short protein forms D206H, D97H.
Identifiers: ClinVar variation 1799714 (VCV001799714.2), dbSNP rs1165176553, ClinGen allele CA357258896.